The following is an entry in ClinVar:

ClinVar aggregate classification (germline): Uncertain significance (1 of 4 stars; one submission).

Conditions:
Giant axonal neuropathy 1 (GAN1). Also called: GIANT AXONAL NEUROPATHY 1, AUTOSOMAL RECESSIVE; GAN-Related Neurodegeneration. Identifiers: Orphanet 643, MedGen C1850386, MONDO:0009749, OMIM 256850.

Allele frequency attached by ClinVar (database versions not stated): gnomAD exomes below 0.00001; ExAC 0.00001.
gnomAD v4.1: 4 of 1,614,164 alleles (0.00025%); highest among the groups gnomAD compares: Admixed American, 0.0017%; no homozygotes.

Submission:

Labcorp Genetics (formerly Invitae), Labcorp
Classification: Uncertain significance for Giant axonal neuropathy 1. Last evaluated: 2022-07-12. Review status: criteria provided, single submitter. Criteria: Invitae Variant Classification Sherloc (09022015). Collection method: clinical testing. Allele origin: germline.
Comment: This sequence change replaces arginine, which is basic and polar, with cysteine, which is neutral and slightly polar, at codon 582 of the GAN protein (p.Arg582Cys). This variant is present in population databases (rs772385806, gnomAD 0.003%). This variant has not been reported in the literature in individuals affected with GAN-related conditions. ClinVar contains an entry for this variant (Variation ID: 569005). Algorithms developed to predict the effect of missense changes on protein structure and function are either unavailable or do not agree on the potential impact of this missense change (SIFT: "Deleterious"; PolyPhen-2: "Possibly Damaging"; Align-GVGD: "Class C0"). In summary, the available evidence is currently insufficient to determine the role of this variant in disease. Therefore, it has been classified as a Variant of Uncertain Significance.

NM_022041.4(GAN):c.1744C>T (p.Arg582Cys)

Gene: GAN (gigaxonin; plus strand). Cytogenetic location: 16q23.2.
Variant type: single nucleotide variant.
Coding change: c.1744C>T on transcript NM_022041.4 (MANE Select); coding-DNA position 1744, C replaced by T.
Protein change: p.Arg582Cys; replaces arginine 582 with cysteine.
Molecular consequence: missense variant.
Genome position (GRCh38, 1-based): chr16:81,377,546, C>T. VCF-style: chr16-81377546-C-T. GRCh37 (hg19) VCF-style: chr16-81411151-C-T.
Other names: c.1105C>T, p.Arg369Cys (NM_001377486.1); short protein forms R582C, R369C.
Identifiers: ClinVar variation 569005 (VCV000569005.8), dbSNP rs772385806, ClinGen allele CA8191873.